The following is an entry in ClinVar:

NM_021076.4(NEFH):c.1121C>G (p.Thr374Ser)

Gene: NEFH (neurofilament heavy chain; plus strand). Cytogenetic location: 22q12.2.
Variant type: single nucleotide variant.
Coding change: c.1121C>G on transcript NM_021076.4 (MANE Select); coding-DNA position 1121, C replaced by G.
Protein change: p.Thr374Ser; replaces threonine 374 with serine.
Molecular consequence: missense variant.
Genome position (GRCh38, 1-based): chr22:29,485,760, C>G. VCF-style: chr22-29485760-C-G. GRCh37 (hg19) VCF-style: chr22-29881749-C-G.
Other names: short protein forms T374S.
Identifiers: ClinVar variation 5036890 (VCV005036890.1).
Genomic context (GRCh38, chr22:29,485,760, plus strand): 5'-TGTGTGTCACCTCTCCTTCCCAGGAAGCCATTCAGCAGCTGGACGCTGAGCTGAGGAACA[C>G]CAAGTGGGAGATGGCCGCCCAGCTGCGAGAATACCAGGACCTGCTCAATGTCAAGATGGC-3'
Protein context (NP_066554.2, residues 364-384): IQQLDAELRN[Thr374Ser]KWEMAAQLRE

ClinVar aggregate classification (germline): Uncertain significance (1 of 4 stars; one submission).

Submission:

GeneDx
Classification: Uncertain significance. Last evaluated: 2026-04-15. Review status: criteria provided, single submitter. Criteria: GeneDx Variant Classification Process June 2021. Collection method: clinical testing. Allele origin: germline.
Comment: Not observed at significant frequency in large population cohorts (gnomAD); In silico analysis supports that this missense variant has a deleterious effect on protein structure/function; Has not been previously published as pathogenic or benign to our knowledge